The following is an entry in ClinVar:

NM_080552.3(SLC32A1):c.1422C>G (p.Ser474Arg)

Gene: SLC32A1 (solute carrier family 32 member 1; plus strand). Cytogenetic location: 20q11.23.
Variant type: single nucleotide variant.
Coding change: c.1422C>G on transcript NM_080552.3 (MANE Select); coding-DNA position 1422, C replaced by G.
Protein change: p.Ser474Arg; replaces serine 474 with arginine.
Molecular consequence: missense variant.
Genome position (GRCh38, 1-based): chr20:38,728,483, C>G. VCF-style: chr20-38728483-C-G. GRCh37 (hg19) VCF-style: chr20-37357126-C-G.
Other names: short protein forms S474R.
Identifiers: ClinVar variation 4992389 (VCV004992389.1).

ClinVar aggregate classification (germline): Uncertain significance (1 of 4 stars; one submission).

Conditions:
SLC32A1-related condition.

Submission:

PreventionGenetics, part of Exact Sciences
Classification: Uncertain significance for SLC32A1-related condition. Last evaluated: 2026-02-25. Review status: criteria provided, single submitter. Criteria: ACMG Guidelines, 2015. Collection method: clinical testing. Allele origin: germline.
Comment: The SLC32A1 c.1422C>G variant is predicted to result in the amino acid substitution p.Ser474Arg. To our knowledge, this variant has not been reported in the literature or in a large population database (gnomAD), indicating this variant is rare. At this time, the clinical significance of this variant is uncertain due to the absence of conclusive functional and genetic evidence.